The following is an entry in ClinVar:

NM_012471.3(TRPC5):c.2829A>C (p.Ser943=)

Gene: TRPC5 (transient receptor potential cation channel subfamily C member 5; minus strand). Cytogenetic location: Xq23.
Variant type: single nucleotide variant.
Coding change: c.2829A>C on transcript NM_012471.3 (MANE Select); coding-DNA position 2829, A replaced by C.
Protein change: p.Ser943=; no amino-acid change (serine 943 retained).
Molecular consequence: synonymous variant.
Genome position (GRCh38, 1-based): chrX:111,776,406, T>G on the plus strand (A>C on the coding strand, the complement: TRPC5 is on the minus strand). VCF-style: chrX-111776406-T-G. GRCh37 (hg19) VCF-style: chrX-111019634-T-G.
Identifiers: ClinVar variation 3031036 (VCV003031036.2), dbSNP rs371148935, ClinGen allele CA10494107.
Genomic context (GRCh38, chrX:111,776,406, plus strand): 5'-ATCACCCCATTTGTGCATGAGCAAGTCACAAGCCTCTCCCCAAGTTTCAAATACATCCTC[T>G]GAGGAGTCTAAAAGTTTAGAATTTGAGGAGCAGATGCTGGATGCACAGTGAAGAGAGCTG-3'
Protein context (NP_036603.1, residues 933-953): CSSNSKLLDS[Ser943=]EDVFETWGEA

ClinVar aggregate classification (germline): Likely benign (0 of 4 stars; one submission).

Conditions:
TRPC5-related disorder. Also called: TRPC5-related condition.

Allele frequency attached by ClinVar (database versions not stated): gnomAD exomes below 0.00001; gnomAD 0.00005; ExAC 0.00007; TOPMed 0.00008; ESP Exome Variant Server 0.00009.
gnomAD v4.1: 10 of 1,209,442 alleles (0.00083%); highest among the groups gnomAD compares: African/African-American, 0.011%; no homozygotes.

Submission:

PreventionGenetics, part of Exact Sciences
Classification: Likely benign for TRPC5-related condition. Last evaluated: 2021-11-15. Review status: no assertion criteria provided. Collection method: clinical testing. Allele origin: germline.
Comment: This variant is classified as likely benign based on ACMG/AMP sequence variant interpretation guidelines (Richards et al. 2015 PMID: 25741868, with internal and published modifications).